The following is an entry in ClinVar:

ClinVar aggregate classification (germline): Uncertain significance (1 of 4 stars; one submission).

Conditions:
Granulomatous disease, chronic, X-linked. Also called: CYTOCHROME b-NEGATIVE GRANULOMATOUS DISEASE, CHRONIC, X-LINKED; GRANULOMATOUS DISEASE, CHRONIC, X-LINKED, SOMATIC MOSAIC. Identifiers: Orphanet 379, MedGen C1844376, MONDO:0010600, OMIM 306400.

gnomAD v4.1: 2 of 1,209,386 alleles (0.00017%); highest among the groups gnomAD compares: South Asian, 0.0018%; no homozygotes.

Submission:

Labcorp Genetics (formerly Invitae), Labcorp
Classification: Uncertain significance for Granulomatous disease, chronic, X-linked. Last evaluated: 2025-06-25. Review status: criteria provided, single submitter. Criteria: Invitae Variant Classification Sherloc (09022015). Collection method: clinical testing. Allele origin: germline.
Comment: This sequence change replaces isoleucine, which is neutral and non-polar, with valine, which is neutral and non-polar, at codon 217 of the CYBB protein (p.Ile217Val). This variant is present in population databases (no rsID available, gnomAD 0.005%). This variant has not been reported in the literature in individuals affected with CYBB-related conditions. Invitae Evidence Modeling of protein sequence and biophysical properties (such as structural, functional, and spatial information, amino acid conservation, physicochemical variation, residue mobility, and thermodynamic stability) indicates that this missense variant is not expected to disrupt CYBB protein function with a negative predictive value of 80%. In summary, the available evidence is currently insufficient to determine the role of this variant in disease. Therefore, it has been classified as a Variant of Uncertain Significance.

NM_000397.4(CYBB):c.649A>G (p.Ile217Val)

Gene: CYBB (cytochrome b-245 beta chain; plus strand). Cytogenetic location: Xp21.1.
Variant type: single nucleotide variant.
Coding change: c.649A>G on transcript NM_000397.4 (MANE Select); coding-DNA position 649, A replaced by G.
Protein change: p.Ile217Val; replaces isoleucine 217 with valine.
Molecular consequence: missense variant.
Genome position (GRCh38, 1-based): chrX:37,796,116, A>G. VCF-style: chrX-37796116-A-G. GRCh37 (hg19) VCF-style: chrX-37655369-A-G.
Other names: short protein forms I217V.
Identifiers: ClinVar variation 4737199 (VCV004737199.1).